The following is an entry in ClinVar:

ClinVar aggregate classification (germline): Likely benign. Review status: criteria provided, multiple submitters, no conflicts (2 of 4 stars). 4 submissions from 4 submitters: Likely benign (3). 1 of the submissions does not count toward it. Last evaluated 2025-12-20.

Conditions:
DIAPH3-related disorder. Also called: DIAPH3-related condition.

Allele frequency attached by ClinVar (database versions not stated): ESP Exome Variant Server 0.00008; gnomAD exomes 0.00034 and 0.00045; gnomAD 0.00043 and 0.00048; ExAC 0.00044; TOPMed 0.00056; 1000 Genomes Project 0.00140; 1000 Genomes Project 30x 0.00156.
gnomAD v4.1: 587 of 1,587,576 alleles (0.037%); highest among the groups gnomAD compares: Admixed American, 0.16%; no homozygotes.

Submissions (4):

Labcorp Genetics (formerly Invitae), Labcorp
Classification: Likely benign. Last evaluated: 2025-12-20. Review status: criteria provided, single submitter. Criteria: Invitae Variant Classification Sherloc (09022015). Collection method: clinical testing. Allele origin: germline.

Blueprint Genetics
Classification: Likely benign. Last evaluated: 2024-09-10. Review status: criteria provided, single submitter. Criteria: ACMG Guidelines, 2015. Collection method: clinical testing. Allele origin: germline.

GeneDx
Classification: Likely benign. Last evaluated: 2021-04-09. Review status: criteria provided, single submitter. Criteria: GeneDx Variant Classification Process June 2021. Collection method: clinical testing. Allele origin: germline. Affected: yes.

PreventionGenetics, part of Exact Sciences
Classification: Likely benign for DIAPH3-related condition. Last evaluated: 2020-01-29. Review status: no assertion criteria provided. Collection method: clinical testing. Allele origin: germline. Not counted in ClinVar's aggregate classification.
Comment: This variant is classified as likely benign based on ACMG/AMP sequence variant interpretation guidelines (Richards et al. 2015 PMID: 25741868, with internal and published modifications).

NM_001042517.2(DIAPH3):c.177G>A (p.Lys59=)

Gene: DIAPH3 (diaphanous related formin 3; minus strand). Cytogenetic location: 13q21.2.
Variant type: single nucleotide variant.
Coding change: c.177G>A on transcript NM_001042517.2 (MANE Select); coding-DNA position 177, G replaced by A.
Protein change: p.Lys59=; no amino-acid change (lysine 59 retained).
Molecular consequence: synonymous variant.
Genome position (GRCh38, 1-based): chr13:60,163,590, C>T on the plus strand (G>A on the coding strand, the complement: DIAPH3 is on the minus strand). VCF-style: chr13-60163590-C-T. GRCh37 (hg19) VCF-style: chr13-60737724-C-T.
Other names: c.177G>A, p.Lys59= (NM_001258366.2, NM_001258367.2, NM_001258368.2 and 1 more transcripts).
Identifiers: ClinVar variation 730649 (VCV000730649.16), dbSNP rs200015614, ClinGen allele CA6997103.